The following is an entry in ClinVar:

ClinVar aggregate classification (germline): Uncertain significance. Review status: criteria provided, multiple submitters, no conflicts (2 of 4 stars). 2 submissions from 2 submitters: Uncertain significance (2). Last evaluated 2026-03-01.

Conditions:
Cardiovascular phenotype. Identifiers: MedGen CN230736.

Allele frequency attached by ClinVar (database versions not stated): ExAC 0.00001; gnomAD exomes 0.00001 and 0.00003; TOPMed 0.00001.
gnomAD v4.1: 11 of 1,208,467 alleles (0.00091%); highest among the groups gnomAD compares: Admixed American, 0.011%; no homozygotes.

Submissions (2):

Ambry Genetics
Classification: Uncertain significance for Cardiovascular phenotype. Last evaluated: 2026-03-01. Review status: criteria provided, single submitter. Criteria: Ambry Variant Classification Scheme 2023. Collection method: clinical testing. Allele origin: germline.
Comment: The p.S9F variant (also known as c.26C>T), located in coding exon 1 of the BGN gene, results from a C to T substitution at nucleotide position 26. The serine at codon 9 is replaced by phenylalanine, an amino acid with highly dissimilar properties. This amino acid position is conserved. In addition, this alteration is predicted to be tolerated by in silico analysis. Based on the available evidence, the clinical significance of this variant remains unclear.

Labcorp Genetics (formerly Invitae), Labcorp
Classification: Uncertain significance. Last evaluated: 2021-08-18. Review status: criteria provided, single submitter. Criteria: Invitae Variant Classification Sherloc (09022015). Collection method: clinical testing. Allele origin: germline.
Comment: In summary, the available evidence is currently insufficient to determine the role of this variant in disease. Therefore, it has been classified as a Variant of Uncertain Significance. Algorithms developed to predict the effect of missense changes on protein structure and function are either unavailable or do not agree on the potential impact of this missense change (SIFT: "Not Available"; PolyPhen-2: "Benign"; Align-GVGD: "Not Available"). This variant has not been reported in the literature in individuals affected with BGN-related conditions. This variant is present in population databases (rs782144541, ExAC 0.01%). This sequence change replaces serine with phenylalanine at codon 9 of the BGN protein (p.Ser9Phe). The serine residue is weakly conserved and there is a large physicochemical difference between serine and phenylalanine.

NM_001711.6(BGN):c.26C>T (p.Ser9Phe)

Gene: BGN (biglycan; plus strand). Cytogenetic location: Xq28.
Variant type: single nucleotide variant.
Coding change: c.26C>T on transcript NM_001711.6 (MANE Select); coding-DNA position 26, C replaced by T.
Protein change: p.Ser9Phe; replaces serine 9 with phenylalanine.
Molecular consequence: missense variant.
Genome position (GRCh38, 1-based): chrX:153,504,657, C>T. VCF-style: chrX-153504657-C-T. GRCh37 (hg19) VCF-style: chrX-152770115-C-T.
Other names: c.26C>T (NM_001711.4); short protein forms S9F.
Identifiers: ClinVar variation 1465633 (VCV001465633.6), dbSNP rs782144541, ClinGen allele CA10547113.